The following is an entry in ClinVar:

NM_001369268.1(ACAN):c.6139G>A (p.Glu2047Lys)

Gene: ACAN (aggrecan; plus strand). Cytogenetic location: 15q26.1.
Variant type: single nucleotide variant.
Coding change: c.6139G>A on transcript NM_001369268.1 (MANE Select); coding-DNA position 6139, G replaced by A.
Protein change: p.Glu2047Lys; replaces glutamic acid 2047 with lysine.
Molecular consequence: missense variant.
Genome position (GRCh38, 1-based): chr15:88,858,724, G>A. VCF-style: chr15-88858724-G-A. GRCh37 (hg19) VCF-style: chr15-89401955-G-A.
Other names: c.6139G>A, p.Glu2047Lys (NM_013227.4, NM_001135.4, NM_001411096.1 and 1 more transcripts); short protein forms E2047K.
Identifiers: ClinVar variation 5018367 (VCV005018367.1).

ClinVar aggregate classification (germline): Uncertain significance (1 of 4 stars; one submission).

Submission:

GeneDx
Classification: Uncertain significance. Last evaluated: 2026-04-12. Review status: criteria provided, single submitter. Criteria: GeneDx Variant Classification Process June 2021. Collection method: clinical testing. Allele origin: germline.
Comment: Not observed at significant frequency in large population cohorts (gnomAD); In silico analysis suggests that this missense variant does not alter protein structure/function; Has not been previously published as pathogenic or benign to our knowledge